The following is an entry in ClinVar:

ClinVar aggregate classification (germline): Uncertain significance. Review status: criteria provided, multiple submitters, no conflicts (2 of 4 stars). 2 submissions from 2 submitters: Uncertain significance (2). Last evaluated 2024-10-23.

Conditions:
TBX20-related disorder. Also called: TBX20-related condition.

Submissions (2):

Labcorp Genetics (formerly Invitae), Labcorp
Classification: Uncertain significance. Last evaluated: 2024-10-23. Review status: criteria provided, single submitter. Criteria: Invitae Variant Classification Sherloc (09022015). Collection method: clinical testing. Allele origin: germline.
Comment: This sequence change replaces proline, which is neutral and non-polar, with threonine, which is neutral and polar, at codon 429 of the TBX20 protein (p.Pro429Thr). This variant is not present in population databases (gnomAD no frequency). This variant has not been reported in the literature in individuals affected with TBX20-related conditions. ClinVar contains an entry for this variant (Variation ID: 2632965). An algorithm developed to predict the effect of missense changes on protein structure and function (PolyPhen-2) suggests that this variant is likely to be disruptive. In summary, the available evidence is currently insufficient to determine the role of this variant in disease. Therefore, it has been classified as a Variant of Uncertain Significance.

PreventionGenetics, part of Exact Sciences
Classification: Uncertain significance for TBX20-related condition. Last evaluated: 2023-05-08. Review status: criteria provided, single submitter. Criteria: ACMG Guidelines, 2015. Collection method: clinical testing. Allele origin: germline.
Comment: The TBX20 c.1285C>A variant is predicted to result in the amino acid substitution p.Pro429Thr. To our knowledge, this variant has not been reported in the literature or in a large population database, indicating this variant is rare. At this time, the clinical significance of this variant is uncertain due to the absence of conclusive functional and genetic evidence.

NM_001077653.2(TBX20):c.1285C>A (p.Pro429Thr)

Gene: TBX20 (T-box transcription factor 20; minus strand). Cytogenetic location: 7p14.2.
Variant type: single nucleotide variant.
Coding change: c.1285C>A on transcript NM_001077653.2 (MANE Select); coding-DNA position 1285, C replaced by A.
Protein change: p.Pro429Thr; replaces proline 429 with threonine.
Molecular consequence: missense variant.
Genome position (GRCh38, 1-based): chr7:35,202,489, G>T on the plus strand (C>A on the coding strand, the complement: TBX20 is on the minus strand). VCF-style: chr7-35202489-G-T. GRCh37 (hg19) VCF-style: chr7-35242101-G-T.
Other names: short protein forms P429T.
Identifiers: ClinVar variation 2632965 (VCV002632965.3), dbSNP rs1789318823, ClinGen allele CA367262821.